The following is an entry in ClinVar:

ClinVar aggregate classification (germline): Likely benign (1 of 4 stars; one submission).

Conditions:
ALMS1-related disorder. Also called: ALMS1-related condition.

Submission:

PreventionGenetics, part of Exact Sciences
Classification: Likely benign for ALMS1-related condition. Last evaluated: 2022-03-01. Review status: criteria provided, single submitter. Criteria: ACMG Guidelines, 2015. Collection method: clinical testing. Allele origin: germline.
Comment: This variant is classified as likely benign based on ACMG/AMP sequence variant interpretation guidelines (Richards et al. 2015 PMID: 25741868, with internal and published modifications).

NM_001378454.1(ALMS1):c.6297G>A (p.Glu2099=)

Gene: ALMS1 (ALMS1 centrosome and basal body associated protein; plus strand). Cytogenetic location: 2p13.1.
Variant type: single nucleotide variant.
Coding change: c.6297G>A on transcript NM_001378454.1 (MANE Select); coding-DNA position 6297, G replaced by A.
Protein change: p.Glu2099=; no amino-acid change (glutamic acid 2099 retained).
Molecular consequence: synonymous variant.
Genome position (GRCh38, 1-based): chr2:73,452,824, G>A. VCF-style: chr2-73452824-G-A. GRCh37 (hg19) VCF-style: chr2-73679951-G-A.
Other names: c.6300G>A, p.Glu2100= (NM_015120.4).
Identifiers: ClinVar variation 3045128 (VCV003045128.1), dbSNP rs2466108673, ClinGen allele CA427022909.
Genomic context (GRCh38, chr2:73,452,824, plus strand): 5'-ACTAACTGATGTGAATACTGGAAAACCAGTATCTCTCTCTAGTTCTTATTTTCACAGAGA[G>A]AAATCGAATATTTTCAGTCCACAGGAATTGCCAGGTAGTCATGTAACTGAAGATGTGCTG-3'
Protein context (NP_001365383.1, residues 2089-2109): VSLSSSYFHR[Glu2099=]KSNIFSPQEL